The following is an entry in ClinVar:

ClinVar aggregate classification (germline): Uncertain significance (1 of 4 stars; one submission).

Conditions:
Parkinsonism-dystonia, infantile. Identifiers: Orphanet 238455, MedGen C2751067, MONDO:0013150.

Allele frequency attached by ClinVar (database versions not stated): gnomAD exomes below 0.00001 and 0.00001; gnomAD 0.00001; TOPMed 0.00001.
gnomAD v4.1: 4 of 1,590,244 alleles (0.00025%); no homozygotes.

Submission:

Labcorp Genetics (formerly Invitae), Labcorp
Classification: Uncertain significance for Parkinsonism-dystonia, infantile. Last evaluated: 2021-01-12. Review status: criteria provided, single submitter. Criteria: Invitae Variant Classification Sherloc (09022015). Collection method: clinical testing. Allele origin: germline.
Comment: In summary, the available evidence is currently insufficient to determine the role of this variant in disease. Therefore, it has been classified as a Variant of Uncertain Significance. Algorithms developed to predict the effect of missense changes on protein structure and function are either unavailable or do not agree on the potential impact of this missense change (SIFT: "Tolerated"; PolyPhen-2: "Possibly Damaging"; Align-GVGD: "Class C0"). This variant has not been reported in the literature in individuals with SLC6A3-related conditions. This variant is not present in population databases (ExAC no frequency). This sequence change replaces valine with methionine at codon 609 of the SLC6A3 protein (p.Val609Met). The valine residue is moderately conserved and there is a small physicochemical difference between valine and methionine.

NM_001044.5(SLC6A3):c.1825G>A (p.Val609Met)

Gene: SLC6A3 (solute carrier family 6 member 3). Cytogenetic location: 5p15.33.
Variant type: single nucleotide variant.
Coding change: c.1825G>A on transcript NM_001044.5 (MANE Select); coding-DNA position 1825, G replaced by A.
Protein change: p.Val609Met; replaces valine 609 with methionine.
Molecular consequence: missense variant.
Genome position (GRCh38, 1-based): chr5:1,400,929, C>T on the plus strand (G>A on the coding strand, the complement: SLC6A3 is on the minus strand). VCF-style: chr5-1400929-C-T. GRCh37 (hg19) VCF-style: chr5-1401044-C-T.
Other names: short protein forms V609M.
Identifiers: ClinVar variation 1523930 (VCV001523930.8), dbSNP rs1176423145, ClinGen allele CA359072051.
Genomic context (GRCh38, chr5:1,400,929, plus strand): 5'-ATTCTGAATTCCCCCGAGAGAGGCCCAGCAGGGACCTCGACCTCACCGTGAACTGGCGCA[C>T]CTCCCCTCTGTCCACCAGCTCACGGTCCTTCTCGGGTGCAATGGCGTAGGCCAGTTTCTG-3'
Protein context (NP_001035.1, residues 599-619): KDRELVDRGE[Val609Met]RQFTLRHWLK